The following is an entry in ClinVar:

ClinVar aggregate classification (germline): Uncertain significance. Review status: criteria provided, multiple submitters, no conflicts (2 of 4 stars). 2 submissions from 2 submitters: Uncertain significance (2). Last evaluated 2025-01-20.

Conditions:
Inborn genetic diseases. Identifiers: MedGen C0950123, MeSH D030342.
Brachyolmia-amelogenesis imperfecta syndrome. Also called: PLATYSPONDYLY WITH AMELOGENESIS IMPERFECTA; Tooth agenesis, selective, 6; Dental anomalies and short stature. Identifiers: Orphanet 2899, MedGen C1832594, MONDO:0011018, OMIM 601216. Disease mechanism: loss of function.

Allele frequency attached by ClinVar (database versions not stated): gnomAD 0.00001; ExAC 0.00001.
gnomAD v4.1: 12 of 1,614,084 alleles (0.00074%); highest among the groups gnomAD compares: African/African-American, 0.0013%; no homozygotes.

Submissions (2):

Labcorp Genetics (formerly Invitae), Labcorp
Classification: Uncertain significance for Brachyolmia-amelogenesis imperfecta syndrome. Last evaluated: 2025-01-20. Review status: criteria provided, single submitter. Criteria: Invitae Variant Classification Sherloc (09022015). Collection method: clinical testing. Allele origin: germline.
Comment: This sequence change replaces threonine, which is neutral and polar, with methionine, which is neutral and non-polar, at codon 469 of the LTBP3 protein (p.Thr469Met). This variant is present in population databases (rs774468187, gnomAD 0.0009%). This variant has not been reported in the literature in individuals affected with LTBP3-related conditions. ClinVar contains an entry for this variant (Variation ID: 2057734). An algorithm developed to predict the effect of missense changes on protein structure and function (PolyPhen-2) suggests that this variant is likely to be disruptive. In summary, the available evidence is currently insufficient to determine the role of this variant in disease. Therefore, it has been classified as a Variant of Uncertain Significance.

Ambry Genetics
Classification: Uncertain significance for Inborn genetic diseases. Last evaluated: 2023-12-25. Review status: criteria provided, single submitter. Criteria: Ambry Variant Classification Scheme 2023. Collection method: clinical testing. Allele origin: germline.
Comment: The p.T469M variant (also known as c.1406C>T), located in coding exon 8 of the LTBP3 gene, results from a C to T substitution at nucleotide position 1406. The threonine at codon 469 is replaced by methionine, an amino acid with similar properties. This amino acid position is conserved. In addition, the in silico prediction for this alteration is inconclusive. Since supporting evidence is limited at this time, the clinical significance of this alteration remains unclear.

NM_001130144.3(LTBP3):c.1406C>T (p.Thr469Met)

Gene: LTBP3 (latent transforming growth factor beta binding protein 3; minus strand). Cytogenetic location: 11q13.1.
Variant type: single nucleotide variant.
Coding change: c.1406C>T on transcript NM_001130144.3 (MANE Select); coding-DNA position 1406, C replaced by T.
Protein change: p.Thr469Met; replaces threonine 469 with methionine.
Molecular consequence: missense variant.
Genome position (GRCh38, 1-based): chr11:65,552,097, G>A on the plus strand (C>T on the coding strand, the complement: LTBP3 is on the minus strand). VCF-style: chr11-65552097-G-A. GRCh37 (hg19) VCF-style: chr11-65319568-G-A.
Other names: c.1055C>T, p.Thr352Met (NM_001164266.1); c.1406C>T, p.Thr469Met (NM_021070.4); c.1406C>T (NM_001130144.2); short protein forms T469M, T352M.
Identifiers: ClinVar variation 2057734 (VCV002057734.5), dbSNP rs774468187, ClinGen allele CA6100990.